The following is an entry in ClinVar:

ClinVar aggregate classification (germline): Likely pathogenic (1 of 4 stars; one submission).

Conditions:
NOTCH1-related disorder. Also called: NOTCH1-related disorders; NOTCH1-related condition.

Submission:

PreventionGenetics, part of Exact Sciences
Classification: Likely pathogenic for NOTCH1-related condition. Last evaluated: 2025-02-18. Review status: criteria provided, single submitter. Criteria: ACMG Guidelines, 2015. Collection method: clinical testing. Allele origin: germline.
Comment: The NOTCH1 c.2732delG variant is predicted to result in a frameshift and premature protein termination (p.Cys911Serfs*268). To our knowledge, this variant has not been reported in the literature or in a large population database (gnomAD), indicating this variant is rare. Frameshift variants in NOTCH1 are expected to be pathogenic. This variant is interpreted as likely pathogenic.

NM_017617.5(NOTCH1):c.2732del (p.Cys911fs)

Gene: NOTCH1 (notch receptor 1; minus strand). Cytogenetic location: 9q34.3.
Variant type: Deletion.
Coding change: c.2732del on transcript NM_017617.5 (MANE Select); coding-DNA position 2732, one base deleted (G; older notation c.2732delG).
Protein change: p.Cys911fs; shifts the reading frame from cysteine 911.
Molecular consequence: frameshift variant.
Genome position (GRCh38, 1-based): chr9:136,510,661, C deleted on the plus strand (G on the coding strand, the reverse complement: NOTCH1 is on the minus strand). VCF-style (leftmost placement, unchanged base first): chr9-136510660-GC-G. GRCh37 (hg19) VCF-style: chr9-139405112-GC-G.
Other names: short protein forms C911fs.
Identifiers: ClinVar variation 5000637 (VCV005000637.1).
Genomic context (GRCh38, chr9:136,510,660, plus strand): 5'-GAACTGAGGCCTGAGAGCTTCCTGGAGGAGGCCAGAGCCGCGGGGCTACTCACTGGGCCG[GC>G]AGTCGTCGATGTCGGTCTCGCAGTTGCGCCCACTGTAGCCGGCCTGGCAGTGGCAGCGGT-3'